The following is an entry in ClinVar:

NM_022829.6(SLC13A3):c.328C>T (p.Arg110Trp)

Gene: SLC13A3 (solute carrier family 13 member 3; minus strand). Cytogenetic location: 20q13.12.
Variant type: single nucleotide variant.
Coding change: c.328C>T on transcript NM_022829.6 (MANE Select); coding-DNA position 328, C replaced by T.
Protein change: p.Arg110Trp; replaces arginine 110 with tryptophan.
Molecular consequence: missense variant.
Genome position (GRCh38, 1-based): chr20:46,613,509, G>A on the plus strand (C>T on the coding strand, the complement: SLC13A3 is on the minus strand). VCF-style: chr20-46613509-G-A. GRCh37 (hg19) VCF-style: chr20-45242148-G-A.
Other names: c.187C>T, p.Arg63Trp (NM_001011554.3, NM_001193340.2); c.328C>T, p.Arg110Trp (NM_001193339.2); c.34C>T, p.Arg12Trp (NM_001193342.2); c.328C>T (NM_022829.5); short protein forms R63W, R110W, R12W.
Identifiers: ClinVar variation 1410527 (VCV001410527.8), dbSNP rs145550194, ClinGen allele CA9891670.
Genomic context (GRCh38, chr20:46,613,509, plus strand): 5'-CCTGTTCTTACCTGGCCGGCTGGACTCCAACAAGCATCAGGATCTTGAGGGCGATTCGCC[G>A]GTGCAGGTTCCACTCCTCAATGGCGCTGGCCATGATCAGCCCACTGAGGAAGAGGAAGTT-3'
Protein context (NP_073740.2, residues 100-120): ASAIEEWNLH[Arg110Trp]RIALKILMLV

ClinVar aggregate classification (germline): Uncertain significance. Review status: criteria provided, multiple submitters, no conflicts (2 of 4 stars). 2 submissions from 2 submitters: Uncertain significance (2). Last evaluated 2025-06-18.

Allele frequency attached by ClinVar (database versions not stated): gnomAD exomes 0.00012 and 0.00016; ExAC 0.00014; gnomAD 0.00015 and 0.00017; TOPMed 0.00016; ESP Exome Variant Server 0.00031.

Submissions (2):

Ambry Genetics
Classification: Uncertain significance. Last evaluated: 2025-06-18. Review status: criteria provided, single submitter. Criteria: Ambry Variant Classification Scheme 2023. Collection method: clinical testing. Allele origin: germline.

Labcorp Genetics (formerly Invitae), Labcorp
Classification: Uncertain significance. Last evaluated: 2025-01-27. Review status: criteria provided, single submitter. Criteria: Invitae Variant Classification Sherloc (09022015). Collection method: clinical testing. Allele origin: germline.
Comment: This sequence change replaces arginine, which is basic and polar, with tryptophan, which is neutral and slightly polar, at codon 110 of the SLC13A3 protein (p.Arg110Trp). This variant is present in population databases (rs145550194, gnomAD 0.1%). This variant has not been reported in the literature in individuals affected with SLC13A3-related conditions. ClinVar contains an entry for this variant (Variation ID: 1410527). Invitae Evidence Modeling of protein sequence and biophysical properties (such as structural, functional, and spatial information, amino acid conservation, physicochemical variation, residue mobility, and thermodynamic stability) indicates that this missense variant is expected to disrupt SLC13A3 protein function with a positive predictive value of 80%. In summary, the available evidence is currently insufficient to determine the role of this variant in disease. Therefore, it has been classified as a Variant of Uncertain Significance.